The following is an entry in ClinVar:

NM_006758.3(U2AF1):c.467G>A (p.Arg156His)

Gene: U2AF1 (U2 small nuclear RNA auxiliary factor 1; minus strand). Cytogenetic location: 21q22.3.
Variant type: single nucleotide variant.
Coding change: c.467G>A on transcript NM_006758.3 (MANE Select); coding-DNA position 467, G replaced by A.
Protein change: p.Arg156His; replaces arginine 156 with histidine.
Molecular consequence: missense variant.
Genome position (GRCh38, 1-based): chr21:43,094,670, C>T on the plus strand (G>A on the coding strand, the complement: U2AF1 is on the minus strand). VCF-style: chr21-43094670-C-T. GRCh37 (hg19) VCF-style: chr21-44514780-C-T.
Other names: c.467G>A, p.Arg156His (NM_001025203.1); c.248G>A, p.Arg83His (NM_001025204.2); short protein forms R156H, R83H.
Identifiers: ClinVar variation 4530252 (VCV004530252.1).

ClinVar aggregate classification (somatic clinical impact): Tier II - Potential (1 of 4 stars; one submission).

Conditions:
Posterior fossa group A ependymoma. Identifiers: MedGen C5670548, MONDO:0956992.

Submission:

Institute for Genomic Medicine (IGM) Clinical Laboratory, Nationwide Children's Hospital
Classification: Tier II - Potential for Posterior fossa group A ependymoma. Assertion type: diagnostic. Clinical significance: supports diagnosis. Last evaluated: 2025-09-30. Review status: criteria provided, single submitter. Criteria: AMP/ASCO/CAP Guidelines, 2017. Collection method: clinical testing. Allele origin: somatic. Affected: yes.
Comment: Variant has Tier II (potential) clinical significance as a diagnostic inclusion criterion in posterior fossa group A ependymoma, based on the following evidence: 1) Assists in diagnosis alone or along with other biomarkers based on small studies or few case reports (Evidence Level D; PMIDs: 34546980, 36139566).

Literature cited by the submitters: PubMed 34546980; PubMed 36139566.